The following is an entry in ClinVar:

ClinVar aggregate classification (germline): Uncertain significance (1 of 4 stars; one submission).

Conditions:
Niemann-Pick disease, type C1. Also called: NIEMANN-PICK DISEASE, VARIANT TYPE C1; NEUROVISCERAL STORAGE DISEASE WITH VERTICAL SUPRANUCLEAR OPHTHALMOPLEGIA; NIEMANN-PICK DISEASE WITH CHOLESTEROL ESTERIFICATION BLOCK; NIEMANN-PICK DISEASE WITHOUT SPHINGOMYELINASE DEFICIENCY; NIEMANN-PICK DISEASE, CHRONIC NEURONOPATHIC FORM. Identifiers: Orphanet 646, MedGen C3179455, MONDO:0009757, OMIM 257220.

Submission:

Labcorp Genetics (formerly Invitae), Labcorp
Classification: Uncertain significance for Niemann-Pick disease, type C1. Last evaluated: 2022-08-31. Review status: criteria provided, single submitter. Criteria: Invitae Variant Classification Sherloc (09022015). Collection method: clinical testing. Allele origin: germline.
Comment: This sequence change replaces asparagine, which is neutral and polar, with serine, which is neutral and polar, at codon 701 of the NPC1 protein (p.Asn701Ser). Information on the frequency of this variant in the gnomAD database is not available, as this variant may be reported differently in the database. This variant has not been reported in the literature in individuals affected with NPC1-related conditions. ClinVar contains an entry for this variant (Variation ID: 1463726). Algorithms developed to predict the effect of missense changes on protein structure and function are either unavailable or do not agree on the potential impact of this missense change (SIFT: "Not Available"; PolyPhen-2: "Probably Damaging"; Align-GVGD: "Not Available"). In summary, the available evidence is currently insufficient to determine the role of this variant in disease. Therefore, it has been classified as a Variant of Uncertain Significance.

NM_000271.5(NPC1):c.2102_2103inv (p.Asn701Ser)

Gene: NPC1 (NPC intracellular cholesterol transporter 1; minus strand). Cytogenetic location: 18q11.2.
Variant type: Inversion.
Coding change: c.2102_2103inv on transcript NM_000271.5 (MANE Select).
Protein change: p.Asn701Ser; replaces asparagine 701 with serine.
Molecular consequence: missense variant.
Genome position: GRCh38 VCF-style: chr18-23544371-GT-AC. GRCh37 (hg19) VCF-style: chr18-21124335-GT-AC.
Other names: short protein forms N701S.
Identifiers: ClinVar variation 1463726 (VCV001463726.3), ClinGen allele CA2573155266.